The following is an entry in ClinVar:

NM_000488.4(SERPINC1):c.1014G>A (p.Glu338=)

Gene: SERPINC1 (serpin family C member 1; minus strand). Cytogenetic location: 1q25.1.
Variant type: single nucleotide variant.
Coding change: c.1014G>A on transcript NM_000488.4 (MANE Select); coding-DNA position 1014, G replaced by A.
Protein change: p.Glu338=; no amino-acid change (glutamic acid 338 retained).
Molecular consequence: synonymous variant.
Genome position (GRCh38, 1-based): chr1:173,909,691, C>T on the plus strand (G>A on the coding strand, the complement: SERPINC1 is on the minus strand). VCF-style: chr1-173909691-C-T. GRCh37 (hg19) VCF-style: chr1-173878829-C-T.
Other names: c.870G>A, p.Glu290= (NM_001365052.2); c.1137G>A, p.Glu379= (NM_001386302.1); c.1095G>A, p.Glu365= (NM_001386303.1); c.993G>A, p.Glu331= (NM_001386304.1); c.957G>A, p.Glu319= (NM_001386305.1); c.798G>A, p.Glu266= (NM_001386306.1).
Identifiers: ClinVar variation 4921671 (VCV004921671.2).
Genomic context (GRCh38, chr1:173,909,691, plus strand): 5'-CTCAATGCGGAAGCGGGGCATGTGGACCACCAGCATCATCTCCTCCAATTCATCCAGCCA[C>T]TCTTGCAGCACCTCTGGGGTGAGTTCCTTCTCTACCTTGGCCAGGCTCTTCTCAGGCTTG-3'
Protein context (NP_000479.1, residues 328-348): EKELTPEVLQ[Glu338=]WLDELEEMML

ClinVar aggregate classification (germline): Likely benign. Review status: criteria provided, multiple submitters, no conflicts (2 of 4 stars). 2 submissions from 2 submitters: Likely benign (2). Last evaluated 2025-08-10.

Conditions:
SERPINC1-related disorder. Also called: SERPINC1-related condition.

gnomAD v4.1: 3 of 1,614,106 alleles (0.00019%); highest among the groups gnomAD compares: East Asian, 0.0022%; no homozygotes.

Submissions (2):

PreventionGenetics, part of Exact Sciences
Classification: Likely benign for SERPINC1-related condition. Last evaluated: 2025-08-10. Review status: criteria provided, single submitter. Criteria: ACMG Guidelines, 2015. Collection method: clinical testing. Allele origin: germline.
Comment: This variant is classified as likely benign based on ACMG/AMP sequence variant interpretation guidelines (Richards et al. 2015 PMID: 25741868, with internal and published modifications).

Blueprint Genetics
Classification: Likely benign. Last evaluated: 2024-09-02. Review status: criteria provided, single submitter. Criteria: ACMG Guidelines, 2015. Collection method: clinical testing. Allele origin: germline.